The following is an entry in ClinVar:

NM_001378615.1(CC2D2A):c.4066-11_4066-8del

Genes: CC2D2A (coiled-coil and C2 domain containing 2A; plus strand), FBXL5 (F-box and leucine rich repeat protein 5; minus strand). Cytogenetic location: 4p15.32.
Variant type: Deletion.
Coding change: c.4066-11_4066-8del on transcript NM_001378615.1 (MANE Select); 11 bases into the intron before coding-DNA position 4066 through 8 bases into the intron before coding-DNA position 4066, 4 bases deleted (CTTT; older notation c.4066-11_4066-8delCTTT).
Molecular consequence: intron variant.
Genome position (GRCh38, 1-based): chr4:15,587,805-15,587,808, CTTT deleted; deleting any 4 consecutive bases within chr4:15,587,802-15,587,808 gives the same sequence; the c. name uses the placement nearest the transcript's 3' end. VCF-style (leftmost placement, unchanged base first): chr4-15587801-TTTTC-T. GRCh37 (hg19) VCF-style: chr4-15589424-TTTTC-T.
Other names: c.4066-11_4066-8del (NM_001080522.2); c.3919-11_3919-8del (NM_001378617.1).
Identifiers: ClinVar variation 2155721 (VCV002155721.4), dbSNP rs2475123776, ClinGen allele CA2580070884.

ClinVar aggregate classification (germline): Uncertain significance (1 of 4 stars; one submission).

Conditions:
Joubert syndrome. Also called: JOUBERT-BOLTSHAUSER SYNDROME; Familial aplasia of the vermis. Identifiers: Orphanet 475, MedGen C5979921, MONDO:0018772.
Meckel-Gruber syndrome. Also called: DYSENCEPHALIA SPLANCHNOCYSTICA; GRUBER SYNDROME; Dysencephalia splachnocystica. Identifiers: Orphanet 564, MedGen C0265215, MONDO:0018921.

Submission:

Labcorp Genetics (formerly Invitae), Labcorp
Classification: Uncertain significance for Joubert syndrome; Meckel-Gruber syndrome. Last evaluated: 2022-04-08. Review status: criteria provided, single submitter. Criteria: Invitae Variant Classification Sherloc (09022015). Collection method: clinical testing. Allele origin: germline.
Comment: This variant is not present in population databases (gnomAD no frequency). In summary, the available evidence is currently insufficient to determine the role of this variant in disease. Therefore, it has been classified as a Variant of Uncertain Significance. Algorithms developed to predict the effect of sequence changes on RNA splicing suggest that this variant may disrupt the consensus splice site. This variant has not been reported in the literature in individuals affected with CC2D2A-related conditions. This sequence change falls in intron 32 of the CC2D2A gene. It does not directly change the encoded amino acid sequence of the CC2D2A protein.